The following is an entry in ClinVar:

NM_001374259.2(IL12RB2):c.197A>C (p.Asn66Thr)

Gene: IL12RB2 (interleukin 12 receptor subunit beta 2; plus strand). Cytogenetic location: 1p31.3.
Variant type: single nucleotide variant.
Coding change: c.197A>C on transcript NM_001374259.2 (MANE Select); coding-DNA position 197, A replaced by C.
Protein change: p.Asn66Thr; replaces asparagine 66 with threonine.
Molecular consequence: missense variant. On other transcripts: non-coding transcript variant (2).
Genome position (GRCh38, 1-based): chr1:67,321,722, A>C. VCF-style: chr1-67321722-A-C. GRCh37 (hg19) VCF-style: chr1-67787405-A-C.
Other names: c.197A>C, p.Asn66Thr (NM_001258214.1, NM_001258215.1, NM_001258216.1 and 2 more transcripts); short protein forms N66T.
Identifiers: ClinVar variation 3605594 (VCV003605594.2).

ClinVar aggregate classification (germline): Uncertain significance (1 of 4 stars; one submission).

gnomAD v4.1: 3 of 1,612,254 alleles (0.00019%); highest among the groups gnomAD compares: Non-Finnish European, 0.00025%; no homozygotes.

Submission:

Labcorp Genetics (formerly Invitae), Labcorp
Classification: Uncertain significance. Last evaluated: 2024-02-02. Review status: criteria provided, single submitter. Criteria: Invitae Variant Classification Sherloc (09022015). Collection method: clinical testing. Allele origin: germline.
Comment: This sequence change replaces asparagine, which is neutral and polar, with threonine, which is neutral and polar, at codon 66 of the IL12RB2 protein (p.Asn66Thr). This variant is present in population databases (rs142497181, gnomAD 0.0009%). This variant has not been reported in the literature in individuals affected with IL12RB2-related conditions. An algorithm developed to predict the effect of missense changes on protein structure and function (PolyPhen-2) suggests that this variant is likely to be disruptive. In summary, the available evidence is currently insufficient to determine the role of this variant in disease. Therefore, it has been classified as a Variant of Uncertain Significance.